The following is an entry in ClinVar:

NM_001102469.2(LIPN):c.58G>T (p.Gly20Ter)

Gene: LIPN (lipase family member N; plus strand). Cytogenetic location: 10q23.31.
Variant type: single nucleotide variant.
Coding change: c.58G>T on transcript NM_001102469.2 (MANE Select); coding-DNA position 58, G replaced by T.
Protein change: p.Gly20Ter; replaces glycine 20 with a stop codon.
Molecular consequence: nonsense.
Genome position (GRCh38, 1-based): chr10:88,761,463, G>T. VCF-style: chr10-88761463-G-T. GRCh37 (hg19) VCF-style: chr10-90521220-G-T.
Other names: short protein forms G20*.
Identifiers: ClinVar variation 2501104 (VCV002501104.1), dbSNP rs981221050, ClinGen allele CA377501523.

ClinVar aggregate classification (germline): Uncertain significance (1 of 4 stars; one submission).

Submission:

Women's Health and Genetics/Laboratory Corporation of America, LabCorp
Classification: Uncertain significance. Last evaluated: 2023-03-09. Review status: criteria provided, single submitter. Criteria: LabCorp Variant Classification Summary - May 2015. Collection method: clinical testing. Allele origin: germline.
Comment: Variant summary: LIPN c.58G>T (p.Gly20X) results in a premature termination codon, predicted to cause a truncation of the encoded protein or absence of the protein due to nonsense mediated decay. Only one truncating variant has been reported as associated with icthyosis in HGMD, while other downstream truncating variants have been reported as uncertain significance or likley benign (our laboratory, ClinVar). The variant was absent in 248632 control chromosomes (gnomAD). The available data on variant occurrences in the general population are insufficient to allow any conclusion about variant significance. To our knowledge, no occurrence of c.58G>T in individuals affected with Lamellar Ichthyosis and no experimental evidence demonstrating its impact on protein function have been reported. No submitters have provided clinical-significance assessments for this variant to ClinVar after 2014. Based on the evidence outlined above, the variant was classified as uncertain significance.